The following is an entry in ClinVar:

NM_020884.7(MYH7B):c.3582C>G (p.Ala1194=)

Gene: MYH7B (myosin heavy chain 7B; plus strand). Cytogenetic location: 20q11.22.
Variant type: single nucleotide variant.
Coding change: c.3582C>G on transcript NM_020884.7 (MANE Select); coding-DNA position 3582, C replaced by G.
Protein change: p.Ala1194=; no amino-acid change (alanine 1194 retained).
Molecular consequence: synonymous variant.
Genome position (GRCh38, 1-based): chr20:34,997,475, C>G. VCF-style: chr20-34997475-C-G. GRCh37 (hg19) VCF-style: chr20-33585278-C-G.
Identifiers: ClinVar variation 2652273 (VCV002652273.24), dbSNP rs112086528, ClinGen allele CA9827772.

ClinVar aggregate classification (germline): Likely benign (1 of 4 stars; one submission).

Allele frequency attached by ClinVar (database versions not stated): TOPMed 0.00016; gnomAD 0.00018.
gnomAD v4.1: 45 of 1,532,634 alleles (0.0029%); highest among the groups gnomAD compares: African/African-American, 0.052%; no homozygotes.

Submission:

CeGaT Center for Human Genetics Tuebingen
Classification: Likely benign. Last evaluated: 2022-05-01. Review status: criteria provided, single submitter. Criteria: CeGaT Center For Human Genetics Tuebingen Variant Classification Criteria Version 2. Collection method: clinical testing. Allele origin: germline. Affected: yes. Observed: 1 variant allele.
Comment: MYH7B: BP4